The following is an entry in ClinVar:

NM_138348.6(OTULIN):c.65C>T (p.Ala22Val)

Gene: OTULIN (OTU deubiquitinase with linear linkage specificity; plus strand). Cytogenetic location: 5p15.2.
Variant type: single nucleotide variant.
Coding change: c.65C>T on transcript NM_138348.6 (MANE Select); coding-DNA position 65, C replaced by T.
Protein change: p.Ala22Val; replaces alanine 22 with valine.
Molecular consequence: missense variant.
Genome position (GRCh38, 1-based): chr5:14,664,890, C>T. VCF-style: chr5-14664890-C-T. GRCh37 (hg19) VCF-style: chr5-14664999-C-T.
Other names: short protein forms A22V.
Identifiers: ClinVar variation 1363107 (VCV001363107.8), dbSNP rs1285122539, ClinGen allele CA359242161.
Genomic context (GRCh38, chr5:14,664,890, plus strand): 5'-GTCGGGGGACTATGCCCCAGCCCGAAGCGTGGCCAGGCGCGAGCTGCGCCGAGACGCCGG[C>T]GCGGGAGGCGGCGGCCACGGCGCGGGACGGCGGGAAGGCGGCGGCCAGCGGGCAGCCGCG-3'
Protein context (NP_612357.4, residues 12-32): WPGASCAETP[Ala22Val]REAAATARDG

ClinVar aggregate classification (germline): Uncertain significance (1 of 4 stars; one submission).

gnomAD v4.1: 1 of 1,170,046 alleles (0.000085%); highest among the groups gnomAD compares: Non-Finnish European, 0.0001%; no homozygotes.

Submission:

Labcorp Genetics (formerly Invitae), Labcorp
Classification: Uncertain significance. Last evaluated: 2025-08-18. Review status: criteria provided, single submitter. Criteria: Invitae Variant Classification Sherloc (09022015). Collection method: clinical testing. Allele origin: germline.
Comment: This sequence change replaces alanine, which is neutral and non-polar, with valine, which is neutral and non-polar, at codon 22 of the OTULIN protein (p.Ala22Val). This variant is not present in population databases (gnomAD no frequency). This variant has not been reported in the literature in individuals affected with OTULIN-related conditions. ClinVar contains an entry for this variant (Variation ID: 1363107). An algorithm developed to predict the effect of missense changes on protein structure and function (PolyPhen-2) suggests that this variant is likely to be tolerated. In summary, the available evidence is currently insufficient to determine the role of this variant in disease. Therefore, it has been classified as a Variant of Uncertain Significance.